The following is an entry in ClinVar:

ClinVar aggregate classification (germline): Likely benign (1 of 4 stars; one submission).

gnomAD v4.1: 100 of 1,614,122 alleles (0.0062%); highest among the groups gnomAD compares: Non-Finnish European, 0.0084%; no homozygotes.

Submission:

Mayo Clinic Laboratories, Mayo Clinic
Classification: Likely benign. Last evaluated: 2025-01-13. Review status: criteria provided, single submitter. Criteria: ACMG Guidelines, 2015. Collection method: clinical testing. Allele origin: germline. Observed: 1 variant allele.
Comment: BP4, BP7

NM_014687.4(RUBCN):c.1651C>T (p.Leu551=)

Gene: RUBCN (rubicon autophagy regulator; minus strand). Cytogenetic location: 3q29.
Variant type: single nucleotide variant.
Coding change: c.1651C>T on transcript NM_014687.4 (MANE Select); coding-DNA position 1651, C replaced by T.
Protein change: p.Leu551=; no amino-acid change (leucine 551 retained).
Molecular consequence: synonymous variant.
Genome position (GRCh38, 1-based): chr3:197,694,408, G>A on the plus strand (C>T on the coding strand, the complement: RUBCN is on the minus strand). VCF-style: chr3-197694408-G-A. GRCh37 (hg19) VCF-style: chr3-197421279-G-A.
Other names: p.Leu506=; c.1516C>T, p.Leu506= (NM_001145642.5); c.1693C>T, p.Leu565= (NM_001346873.2).
Identifiers: ClinVar variation 4684769 (VCV004684769.1).
Genomic context (GRCh38, chr3:197,694,408, plus strand): 5'-ACAGAAGCATCCACAGGCTCCACTGACTTCCGTGCTCAGCCTCCTGGTACATGGGGAGCA[G>A]GTTCTTGGTGCGGATTTGCTGGCGCCGAAGGCGGATCTTCTGCTTCAGCTCCTGGATCTC-3'
Protein context (NP_055502.1, residues 541-561): LRRQQIRTKN[Leu551=]LPMYQEAEHG